The following is an entry in ClinVar:

ClinVar aggregate classification (germline): Uncertain significance. Review status: criteria provided, multiple submitters, no conflicts (2 of 4 stars). 3 submissions from 3 submitters: Uncertain significance (2). 1 of the submissions does not count toward it. Last evaluated 2025-05-19.

Conditions:
Zellweger spectrum disorders (ZS). Also called: Zellweger Spectrum Disorder; Zellweger Spectrum; Zellweger syndrome; Zellweger Spectrum Disorder (ZSD). Identifiers: Orphanet 912, MedGen C0043459, MONDO:0019609.
PEX1-related disorder. Also called: PEX1-related condition.

Allele frequency attached by ClinVar (database versions not stated): gnomAD 0.00001; ExAC 0.00002; gnomAD exomes 0.00002; TOPMed 0.00003.
gnomAD v4.1: 32 of 1,590,700 alleles (0.002%); highest among the groups gnomAD compares: South Asian, 0.017%; no homozygotes.

Submissions (3):

PreventionGenetics, part of Exact Sciences
Classification: Uncertain significance for PEX1-related condition. Last evaluated: 2025-05-19. Review status: criteria provided, single submitter. Criteria: ACMG Guidelines, 2015. Collection method: clinical testing. Allele origin: germline.
Comment: The PEX1 c.1285G>A variant is predicted to result in the amino acid substitution p.Val429Ile. To our knowledge, this variant has not been reported in individuals with PEX1-related disorders in the literature. This variant is reported in 0.013% of alleles in individuals of South Asian descent in gnomAD. At this time, the clinical significance of this variant is uncertain due to the absence of conclusive functional and genetic evidence.

Labcorp Genetics (formerly Invitae), Labcorp
Classification: Uncertain significance for Zellweger spectrum disorders. Last evaluated: 2021-09-01. Review status: criteria provided, single submitter. Criteria: Invitae Variant Classification Sherloc (09022015). Collection method: clinical testing. Allele origin: germline.
Comment: This sequence change replaces valine with isoleucine at codon 429 of the PEX1 protein (p.Val429Ile). The valine residue is weakly conserved and there is a small physicochemical difference between valine and isoleucine. This variant is present in population databases (rs780349018, ExAC 0.01%). This variant has not been reported in the literature in individuals affected with PEX1-related conditions. Algorithms developed to predict the effect of missense changes on protein structure and function (SIFT, PolyPhen-2, Align-GVGD) all suggest that this variant is likely to be tolerated. In summary, the available evidence is currently insufficient to determine the role of this variant in disease. Therefore, it has been classified as a Variant of Uncertain Significance.

Natera, Inc.
Classification: Uncertain significance for Zellweger syndrome. Last evaluated: 2018-11-18. Review status: no assertion criteria provided. Collection method: clinical testing. Allele origin: germline. Not counted in ClinVar's aggregate classification.

NM_000466.3(PEX1):c.1285G>A (p.Val429Ile)

Gene: PEX1 (peroxisomal biogenesis factor 1; minus strand). Cytogenetic location: 7q21.2.
Variant type: single nucleotide variant.
Coding change: c.1285G>A on transcript NM_000466.3 (MANE Select); coding-DNA position 1285, G replaced by A.
Protein change: p.Val429Ile; replaces valine 429 with isoleucine.
Molecular consequence: missense variant.
Genome position (GRCh38, 1-based): chr7:92,513,922, C>T on the plus strand (G>A on the coding strand, the complement: PEX1 is on the minus strand). VCF-style: chr7-92513922-C-T. GRCh37 (hg19) VCF-style: chr7-92143236-C-T.
Other names: c.1285G>A (NM_000466.2); c.1285G>A, p.Val429Ile (NM_001282677.2); c.661G>A, p.Val221Ile (NM_001282678.2); short protein forms V221I, V429I.
Identifiers: ClinVar variation 1015088 (VCV001015088.7), dbSNP rs780349018, ClinGen allele CA4341443.
Genomic context (GRCh38, chr7:92,513,922, plus strand): 5'-GTTGTAACTTTAGAGATCTTGGAATTTTAGGGGTAACTTCCACTGGAGTTATCCTGACTA[C>T]GGCATGCATTTCTATATTTAGTCTCTTCCTCAGGTCATCTGGAATCTGAAATTTAAAAAT-3'
Protein context (NP_000457.1, residues 419-439): RKRLNIEMHA[Val429Ile]VRITPVEVTP